The following is an entry in ClinVar:

NM_002470.4(MYH3):c.4340A>G (p.Gln1447Arg)

Gene: MYH3 (myosin heavy chain 3; minus strand). Cytogenetic location: 17p13.1.
Variant type: single nucleotide variant.
Coding change: c.4340A>G on transcript NM_002470.4 (MANE Select); coding-DNA position 4340, A replaced by G.
Protein change: p.Gln1447Arg; replaces glutamine 1447 with arginine.
Molecular consequence: missense variant.
Genome position (GRCh38, 1-based): chr17:10,634,856, T>C on the plus strand (A>G on the coding strand, the complement: MYH3 is on the minus strand). VCF-style: chr17-10634856-T-C. GRCh37 (hg19) VCF-style: chr17-10538173-T-C.
Other names: short protein forms Q1447R.
Identifiers: ClinVar variation 4697823 (VCV004697823.1).

ClinVar aggregate classification (germline): Uncertain significance (1 of 4 stars; one submission).

gnomAD v4.1: 2 of 1,614,046 alleles (0.00012%); highest among the groups gnomAD compares: African/African-American, 0.0027%; no homozygotes.

Submission:

Labcorp Genetics (formerly Invitae), Labcorp
Classification: Uncertain significance. Last evaluated: 2025-02-27. Review status: criteria provided, single submitter. Criteria: Invitae Variant Classification Sherloc (09022015). Collection method: clinical testing. Allele origin: germline.
Comment: This sequence change replaces glutamine, which is neutral and polar, with arginine, which is basic and polar, at codon 1447 of the MYH3 protein (p.Gln1447Arg). This variant is present in population databases (rs773617707, gnomAD 0.007%). This variant has not been reported in the literature in individuals affected with MYH3-related conditions. Invitae Evidence Modeling of protein sequence and biophysical properties (such as structural, functional, and spatial information, amino acid conservation, physicochemical variation, residue mobility, and thermodynamic stability) indicates that this missense variant is not expected to disrupt MYH3 protein function with a negative predictive value of 95%. In summary, the available evidence is currently insufficient to determine the role of this variant in disease. Therefore, it has been classified as a Variant of Uncertain Significance.